The following is an entry in ClinVar:

NM_007327.4(GRIN1):c.1674C>T (p.Phe558=)

Gene: GRIN1 (glutamate ionotropic receptor NMDA type subunit 1; plus strand). Cytogenetic location: 9q34.3.
Variant type: single nucleotide variant.
Coding change: c.1674C>T on transcript NM_007327.4 (MANE Select); coding-DNA position 1674, C replaced by T.
Protein change: p.Phe558=; no amino-acid change (phenylalanine 558 retained).
Molecular consequence: synonymous variant.
Genome position (GRCh38, 1-based): chr9:137,162,213, C>T. VCF-style: chr9-137162213-C-T. GRCh37 (hg19) VCF-style: chr9-140056665-C-T.
Other names: c.1674C>T, p.Phe558= (NM_000832.7, NM_021569.4); c.1737C>T, p.Phe579= (NM_001185090.2, NM_001185091.2).
Identifiers: ClinVar variation 3257444 (VCV003257444.17).

ClinVar aggregate classification (germline): Likely benign (1 of 4 stars; one submission).

Submission:

CeGaT Center for Human Genetics Tuebingen
Classification: Likely benign. Last evaluated: 2024-07-01. Review status: criteria provided, single submitter. Criteria: CeGaT Center For Human Genetics Tuebingen Variant Classification Criteria Version 2. Collection method: clinical testing. Allele origin: germline. Affected: yes. Observed: 1 variant allele.
Comment: GRIN1: PM2:Supporting, BP4, BP7